The following is an entry in ClinVar:

NM_001385001.1(MCTP2):c.408C>T (p.Asn136=)

Gene: MCTP2 (multiple C2 and transmembrane domain containing 2; plus strand). Cytogenetic location: 15q26.2.
Variant type: single nucleotide variant.
Coding change: c.408C>T on transcript NM_001385001.1 (MANE Select); coding-DNA position 408, C replaced by T.
Protein change: p.Asn136=; no amino-acid change (asparagine 136 retained).
Molecular consequence: synonymous variant. On other transcripts: missense variant (2), non-coding transcript variant (7), intron variant (2).
Genome position (GRCh38, 1-based): chr15:94,298,673, C>T. VCF-style: chr15-94298673-C-T. GRCh37 (hg19) VCF-style: chr15-94841902-C-T.
Other names: c.408C>T, p.Asn136= (NM_001159643.2, NM_001385002.1, NM_001385003.1 and 5 more transcripts); c.68C>T, p.Thr23Met (NM_001385007.1, NM_001385011.1); c.-33-15609C>T (NM_001385009.1, NM_001385010.1); short protein forms T23M.
Identifiers: ClinVar variation 3043017 (VCV003043017.2), dbSNP rs778854407, ClinGen allele CA7749481.
Genomic context (GRCh38, chr15:94,298,673, plus strand): 5'-GGAAACAGACTCAGAGGAGGCCTATGCCTCTCCTGCTGAGCGGAGACGGGTGTCCAGCAA[C>T]GGCATCTTTGATCTTCAGAAAACTTCCCTTGGAGGGGATGCACCAGAAGAGCCAGAGGTG-3'
Protein context (NP_001371930.1, residues 126-146): SPAERRRVSS[Asn136=]GIFDLQKTSL

ClinVar aggregate classification (germline): Likely benign (0 of 4 stars; one submission).

Conditions:
MCTP2-related disorder. Also called: MCTP2-related condition.

Allele frequency attached by ClinVar (database versions not stated): ExAC 0.00003; gnomAD exomes 0.00003; gnomAD 0.00007; TOPMed 0.00007.
gnomAD v4.1: 57 of 1,613,442 alleles (0.0035%); highest among the groups gnomAD compares: Admixed American, 0.012%; no homozygotes.

Submission:

PreventionGenetics, part of Exact Sciences
Classification: Likely benign for MCTP2-related condition. Last evaluated: 2019-07-03. Review status: no assertion criteria provided. Collection method: clinical testing. Allele origin: germline.
Comment: This variant is classified as likely benign based on ACMG/AMP sequence variant interpretation guidelines (Richards et al. 2015 PMID: 25741868, with internal and published modifications).